The following is an entry in ClinVar:

ClinVar aggregate classification (germline): Uncertain significance (1 of 4 stars; one submission).

Conditions:
Dilated cardiomyopathy 1W (CMD1W). Identifiers: Orphanet 154, MedGen C1969639, MONDO:0012667, OMIM 611407.

Submission:

Labcorp Genetics (formerly Invitae), Labcorp
Classification: Uncertain significance for Dilated cardiomyopathy 1W. Last evaluated: 2024-09-06. Review status: criteria provided, single submitter. Criteria: Invitae Variant Classification Sherloc (09022015). Collection method: clinical testing. Allele origin: germline.
Comment: This sequence change affects a donor splice site in intron 16 of the VCL gene. It is expected to disrupt RNA splicing. Variants that disrupt the donor or acceptor splice site typically lead to a loss of protein function (PMID: 16199547), however the current clinical and genetic evidence is not sufficient to establish whether loss-of-function variants in VCL cause disease. This variant is not present in population databases (gnomAD no frequency). Disruption of this splice site has been observed in individual(s) with dilated cardiomyopathy (internal data). Algorithms developed to predict the effect of sequence changes on RNA splicing suggest that this variant may disrupt the consensus splice site. In summary, the available evidence is currently insufficient to determine the role of this variant in disease. Therefore, it has been classified as a Variant of Uncertain Significance.

Literature cited by the submitters: PubMed 16199547.

NM_014000.3(VCL):c.2434+2T>A

Gene: VCL (vinculin; plus strand). Cytogenetic location: 10q22.2.
Variant type: single nucleotide variant.
Coding change: c.2434+2T>A on transcript NM_014000.3 (MANE Select); the canonical splice donor site of the intron after coding-DNA position 2434, T replaced by A.
Molecular consequence: splice donor variant.
Genome position (GRCh38, 1-based): chr10:74,105,355, T>A. VCF-style: chr10-74105355-T-A. GRCh37 (hg19) VCF-style: chr10-75865113-T-A.
Other names: c.2434+2T>A (NM_003373.4).
Identifiers: ClinVar variation 3664933 (VCV003664933.2).